The following is an entry in ClinVar:

NM_000352.6(ABCC8):c.4055G>C (p.Arg1352Pro)

Gene: ABCC8 (ATP binding cassette subfamily C member 8; minus strand). Cytogenetic location: 11p15.1.
Variant type: single nucleotide variant.
Coding change: c.4055G>C on transcript NM_000352.6 (MANE Select); coding-DNA position 4055, G replaced by C.
Protein change: p.Arg1352Pro; replaces arginine 1352 with proline.
Molecular consequence: missense variant. On other transcripts: non-coding transcript variant (1).
Genome position (GRCh38, 1-based): chr11:17,396,980, C>G on the plus strand (G>C on the coding strand, the complement: ABCC8 is on the minus strand). VCF-style: chr11-17396980-C-G. GRCh37 (hg19) VCF-style: chr11-17418527-C-G.
Other names: NM_000352.6(ABCC8):c.4055G>C; p.Arg1352Pro; c.4058G>C, p.Arg1353Pro (NM_001287174.3); c.4121G>C, p.Arg1374Pro (NM_001351295.2); c.4055G>C, p.Arg1352Pro (NM_001351296.2); c.4052G>C, p.Arg1351Pro (NM_001351297.2); short protein forms R1353P, R1352P, R1374P, R1351P.
Identifiers: ClinVar variation 9094 (VCV000009094.10), dbSNP rs28936370, ClinGen allele CA254629.
Genomic context (GRCh38, chr11:17,396,980, plus strand): 5'-TGTCCAGGGGCGATGAGGGCATTGACGTGCTTCAGCACCGGCTTCAGGGAGCTGTCGTAG[C>G]GCACGCTCAGGTTCTGGATCTGGATCTTCCCTTGGTCTGGCCAGTTCTTTGGGATCAGCG-3'
Protein context (NP_000343.2, residues 1342-1362): GKIQIQNLSV[Arg1352Pro]YDSSLKPVLK

ClinVar aggregate classification (germline): Pathogenic/Likely pathogenic. Review status: criteria provided, multiple submitters, no conflicts (2 of 4 stars). 4 submissions from 4 submitters: Pathogenic (1); Likely pathogenic (2). 1 of the submissions does not count toward it. Last evaluated 2023-08-16.

Conditions:
Diabetes mellitus, permanent neonatal 3. Also called: ABCC8-Related Permanent Neonatal Diabetes Mellitus. Identifiers: MedGen C5394303, MONDO:0030088, OMIM 618857.
Hyperinsulinemic hypoglycemia, familial, 1 (HHF1). Also called: HYPERINSULINISM, FAMILIAL, WITH PANCREATIC NESIDIOBLASTOSIS; HYPOGLYCEMIA, HYPERINSULINEMIC, OF INFANCY; NESIDIOBLASTOSIS OF PANCREAS; Persistent Hyperinsulinemia Hypoglycemia of Infancy; Persistent hyperinsulinemic hypoglycemia of infancy. Identifiers: Orphanet 276575, Orphanet 276598, MedGen C2931832, MONDO:0009734, OMIM 256450.
Leucine-induced hypoglycemia (LIH). Also called: LEUCINE-SENSITIVE HYPOGLYCEMIA OF INFANCY. Identifiers: MedGen C0271714, MONDO:0009415, OMIM 240800.
Type 2 diabetes mellitus. Also called: Type II diabetes mellitus. Identifiers: MedGen C0011860, MeSH D003924, MONDO:0005148, OMIM 125853, HP:0005978.
Diabetes mellitus, transient neonatal, 2 (TNDM2). Identifiers: Orphanet 99886, MedGen C1835887, MONDO:0012480, OMIM 610374. Disease mechanism: loss of function.

gnomAD v4.1: 1 of 1,614,234 alleles (0.000062%); highest among the groups gnomAD compares: Non-Finnish European, 0.000085%; no homozygotes.

Submissions (4):

Broad Center for Mendelian Genomics, Broad Institute of MIT and Harvard
Classification: Likely pathogenic for Hyperinsulinemic hypoglycemia, familial, 1. Last evaluated: 2023-08-16. Review status: criteria provided, single submitter. Criteria: ACMG Guidelines, 2015. Collection method: curation. Allele origin: germline. Inheritance: Autosomal recessive inheritance.
Comment: The p.Arg1352Pro variant in ABCC8 has been reported in 4 individuals with hyperinsulinemic hypoglycemia (PMID: 23275527, 9769320, 24814349, 10828824, 10338089) and has been identified in 0.002% (2/113748) of European (non-Finnish) chromosomes by the Genome Aggregation Database (gnomAD; dbSNP ID: rs28936370). Although this variant has been seen in the general population in a heterozygous state, its frequency is low enough to be consistent with a recessive carrier frequency. This variant has also been reported in ClinVar (Variation ID#: 9094) and has been interpreted as likely pathogenic by Invitae and OMIM. Of the 4 affected individuals, 2 were compound heterozygotes that carried a pathogenic or likely pathogenic variants in trans, which increases the likelihood that the p.Arg1352Pro variant is pathogenic (VariationID: 553929; PMID: 9769320, 24814349). In vitro functional studies provide some evidence that the p.Arg1352Pro variant may impact protein function (PMID: 15356046). However, these types of assays may not accurately represent biological function. Computational prediction tools and conservation analyses suggest that this variant may impact the protein, though this information is not predictive enough to determine pathogenicity. In summary, although additional studies are required to fully establish its clinical significance, this variant is likely pathogenic for autosomal recessive hyperinsulinemic hypoglycemia. ACMG/AMP Criteria applied: PM3_strong, PS3_supporting, PP3, PM2_supporting (Richards 2015).

Labcorp Genetics (formerly Invitae), Labcorp
Classification: Pathogenic. Last evaluated: 2023-01-16. Review status: criteria provided, single submitter. Criteria: Invitae Variant Classification Sherloc (09022015). Collection method: clinical testing. Allele origin: germline.
Comment: This sequence change replaces arginine, which is basic and polar, with proline, which is neutral and non-polar, at codon 1352 of the ABCC8 protein (p.Arg1352Pro). Advanced modeling of protein sequence and biophysical properties (such as structural, functional, and spatial information, amino acid conservation, physicochemical variation, residue mobility, and thermodynamic stability) performed at Invitae indicates that this missense variant is expected to disrupt ABCC8 protein function. For these reasons, this variant has been classified as Pathogenic. Experimental studies have shown that this missense change affects ABCC8 function (PMID: 15356046). ClinVar contains an entry for this variant (Variation ID: 9094). This variant is also known as p.Arg1353Pro. This missense change has been observed in individuals with autosomal recessive diffuse or focal hyperinsulinism (PMID: 9769320, 23275527, 24814349, 31291970). This variant is present in population databases (rs28936370, gnomAD 0.0009%).

Fulgent Genetics
Classification: Likely pathogenic for Type 2 diabetes mellitus; Leucine-induced hypoglycemia; Hyperinsulinemic hypoglycemia, familial, 1; Diabetes mellitus, transient neonatal, 2; Diabetes mellitus, permanent neonatal 3. Last evaluated: 2021-08-20. Review status: criteria provided, single submitter. Criteria: ACMG Guidelines, 2015. Collection method: clinical testing. Allele origin: unknown.

OMIM
Classification: Pathogenic for HYPERINSULINEMIC HYPOGLYCEMIA, FAMILIAL, 1. Last evaluated: 1998-10-01. Review status: no assertion criteria provided. Collection method: literature only. Allele origin: germline. Not counted in ClinVar's aggregate classification.

Literature cited by the submitters: PubMed 15356046 (cited by Labcorp Genetics (formerly Invitae), Labcorp); PubMed 9769320 (cited by Labcorp Genetics (formerly Invitae), Labcorp and OMIM); PubMed 23275527 (cited by Labcorp Genetics (formerly Invitae), Labcorp); PubMed 24814349 (cited by Labcorp Genetics (formerly Invitae), Labcorp); PubMed 31291970 (cited by Labcorp Genetics (formerly Invitae), Labcorp).